The following is an entry in ClinVar:

ClinVar aggregate classification (germline): Benign. Review status: reviewed by expert panel (3 of 4 stars). 2 submissions from 2 submitters: Benign (1). 1 of the submissions does not count toward it. Last evaluated 2020-01-13.

Conditions:
Hereditary thrombocytopenia and hematological cancer predisposition syndrome associated with RUNX1. Also called: PLATELET DISORDER, ASPIRIN-LIKE; RUNX1 Familial Platelet Disorder with Associated Myeloid Malignancies; Familial Platelet Disorder with Propensity to Acute Myelogenous Leukemia; Familial thrombocytopenia with propensity to acute myelogenous leukemia. Identifiers: Orphanet 71290, MedGen C1832388, MeSH C563324, MONDO:0100083, OMIM 601399.

Allele frequency attached by ClinVar (database versions not stated): gnomAD exomes 0.01040; gnomAD 0.02896 and 0.02995; TOPMed 0.03362; 1000 Genomes Project 0.03654; 1000 Genomes Project 30x 0.03732.
gnomAD v4.1: 5,215 of 233,570 alleles (2.2%); highest among the groups gnomAD compares: African/African-American, 8.6%; 179 homozygotes.

Submissions (2):

ClinGen Myeloid Malignancy Variant Curation Expert Panel
Classification: Benign for Hereditary thrombocytopenia and hematologic cancer predisposition syndrome. Last evaluated: 2020-01-13. Review status: reviewed by expert panel. Criteria: ClinGen MyeloMalig ACMG Specifications v1. Collection method: curation. Allele origin: germline. Inheritance: Autosomal dominant inheritance.
Comment: The NM_001754.4:c.*3380A>G variant in the 3' UTR has an MAF of 0.08 (8%, 3561/42024 alleles) in the African subpopulation of the gnomAD v3 cohort and is =/> 0.0015 (0.15%) (BA1). This variant is detected in a homozygous state in 131 individuals in the gnomAD v3 population database (BP2). In summary, this variant meets criteria to be classified as benign. ACMG/AMP criteria applied, as specified by the Myeloid Malignancy Variant Curation Expert Panel for RUNX1: BA1, BP2.

Illumina Laboratory Services, Illumina
Classification: Benign for Hereditary thrombocytopenia and hematological cancer predisposition syndrome associated with RUNX1. Last evaluated: 2018-01-13. Review status: criteria provided, single submitter. Criteria: ICSL Variant Classification Criteria 13 December 2019. Collection method: clinical testing. Allele origin: germline. Not counted in ClinVar's aggregate classification.
Comment: This variant was observed in the ICSL laboratory as part of a predisposition screen in an ostensibly healthy population. It had not been previously curated by ICSL or reported in the Human Gene Mutation Database (HGMD: prior to June 1st, 2018), and was therefore a candidate for classification through an automated scoring system. Utilizing variant allele frequency, disease prevalence and penetrance estimates, and inheritance mode, an automated score was calculated to assess if this variant is too frequent to cause the disease. Based on the score and internal cut-off values, a variant classified as benign is not then subjected to further curation. The score for this variant resulted in a classification of benign for this disease.

NM_001754.5(RUNX1):c.*3380A>G

Gene: RUNX1 (RUNX family transcription factor 1; minus strand). Cytogenetic location: 21q22.12.
Variant type: single nucleotide variant.
Coding change: c.*3380A>G on transcript NM_001754.5 (MANE Select); 3380 bases downstream of the stop codon, A replaced by G.
Molecular consequence: 3 prime UTR variant.
Genome position (GRCh38, 1-based): chr21:34,788,755, T>C on the plus strand (A>G on the coding strand, the complement: RUNX1 is on the minus strand). VCF-style: chr21-34788755-T-C. GRCh37 (hg19) VCF-style: chr21-36161052-T-C.
Other names: c.*3380A>G (NM_001001890.3, NM_001754.4).
Identifiers: ClinVar variation 339809 (VCV000339809.6), dbSNP rs79122814, ClinGen allele CA10650413.
Genomic context (GRCh38, chr21:34,788,755, plus strand): 5'-TACTGACCTGGCTAAAAACAAAATTCCCAACAAACACACAAAAATCCCAAAACAAATGTA[T>C]ACGCTACGGTAAACAAAAAGGCATTTTGTTCAGATGTAAAATATGTTTTGTGAGATTATT-3'